The following is an entry in ClinVar:

ClinVar aggregate classification (germline): Uncertain significance. Review status: criteria provided, multiple submitters, no conflicts (2 of 4 stars). 3 submissions from 3 submitters: Uncertain significance (3). Last evaluated 2025-08-02.

Conditions:
Hereditary cancer-predisposing syndrome. Also called: Tumor predisposition; Neoplastic Syndromes, Hereditary; Hereditary Cancer Syndrome; Hereditary neoplastic syndrome. Identifiers: Orphanet 140162, MedGen C0027672, MeSH D009386, MONDO:0015356.
Fanconi anemia complementation group J. Also called: BRIP1-Related Fanconi Anemia. Identifiers: Orphanet 84, MedGen C1836860, MONDO:0012187, OMIM 609054.
Familial cancer of breast. Also called: BREAST CANCER, FAMILIAL; hereditary breast carcinoma; Hereditary breast cancer. Identifiers: Orphanet 227535, MedGen C0346153, MONDO:0016419, OMIM 114480. Disease mechanism: loss of function.

Allele frequency attached by ClinVar (database versions not stated): gnomAD 0.00001.
gnomAD v4.1: 2 of 1,613,762 alleles (0.00012%); highest among the groups gnomAD compares: African/African-American, 0.0027%; no homozygotes.

Submissions (3):

Ambry Genetics
Classification: Uncertain significance for Hereditary cancer-predisposing syndrome. Last evaluated: 2025-08-02. Review status: criteria provided, single submitter. Criteria: Ambry Variant Classification Scheme 2023. Collection method: clinical testing. Allele origin: germline.
Comment: The p.A551T variant (also known as c.1651G>A), located in coding exon 11 of the BRIP1 gene, results from a G to A substitution at nucleotide position 1651. The alanine at codon 551 is replaced by threonine, an amino acid with similar properties. This amino acid position is conserved. In addition, the in silico prediction for this alteration is inconclusive. Based on the available evidence, the clinical significance of this variant remains unclear.

Color Diagnostics, LLC DBA Color Health
Classification: Uncertain significance for Hereditary cancer-predisposing syndrome. Last evaluated: 2023-12-04. Review status: criteria provided, single submitter. Criteria: ACMG Guidelines, 2015. Collection method: clinical testing. Allele origin: germline.
Comment: This missense variant replaces alanine with threonine at codon 551 of the BRIP1 protein. Computational prediction suggests that this variant may not impact protein structure and function (internally defined REVEL score threshold <= 0.5, PMID: 27666373). To our knowledge, functional studies have not been reported for this variant. This variant has not been reported in individuals affected with BRIP1-related disorders in the literature. This variant has not been identified in the general population by the Genome Aggregation Database (gnomAD). The available evidence is insufficient to determine the role of this variant in disease conclusively. Therefore, this variant is classified as a Variant of Uncertain Significance.

Labcorp Genetics (formerly Invitae), Labcorp
Classification: Uncertain significance for Familial cancer of breast; Fanconi anemia complementation group J. Last evaluated: 2022-09-07. Review status: criteria provided, single submitter. Criteria: Invitae Variant Classification Sherloc (09022015). Collection method: clinical testing. Allele origin: germline.
Comment: In summary, the available evidence is currently insufficient to determine the role of this variant in disease. Therefore, it has been classified as a Variant of Uncertain Significance. Algorithms developed to predict the effect of missense changes on protein structure and function are either unavailable or do not agree on the potential impact of this missense change (SIFT: "Tolerated"; PolyPhen-2: "Probably Damaging"; Align-GVGD: "Class C0"). ClinVar contains an entry for this variant (Variation ID: 491413). This variant has not been reported in the literature in individuals affected with BRIP1-related conditions. This variant is not present in population databases (gnomAD no frequency). This sequence change replaces alanine, which is neutral and non-polar, with threonine, which is neutral and polar, at codon 551 of the BRIP1 protein (p.Ala551Thr).

NM_032043.3(BRIP1):c.1651G>A (p.Ala551Thr)

Gene: BRIP1 (BRCA1 interacting DNA helicase 1; minus strand). Cytogenetic location: 17q23.2.
Variant type: single nucleotide variant.
Coding change: c.1651G>A on transcript NM_032043.3 (MANE Select); coding-DNA position 1651, G replaced by A.
Protein change: p.Ala551Thr; replaces alanine 551 with threonine.
Molecular consequence: missense variant.
Genome position (GRCh38, 1-based): chr17:61,780,983, C>T on the plus strand (G>A on the coding strand, the complement: BRIP1 is on the minus strand). VCF-style: chr17-61780983-C-T. GRCh37 (hg19) VCF-style: chr17-59858344-C-T.
Other names: short protein forms A551T.
Identifiers: ClinVar variation 491413 (VCV000491413.18), dbSNP rs766302517, ClinGen allele CA400480542.
Genomic context (GRCh38, chr17:61,780,983, plus strand): 5'-ACAACCCATTTTTGTCTGAAATATCAATCTGATTTGTCCAGGAGTAAGTCTGTTGAATCG[C>T]AATTTTATAATCATCTGCAAATCTAGATGCAAAGAAAGTGCTAATTAAGTGGCAAAACTT-3'
Protein context (NP_114432.2, residues 541-561): NSRFADDYKI[Ala551Thr]IQQTYSWTNQ